The following is an entry in ClinVar:

NM_203447.4(DOCK8):c.5132C>G (p.Ser1711Ter)

Gene: DOCK8 (dedicator of cytokinesis 8; plus strand). Cytogenetic location: 9p24.3.
Variant type: single nucleotide variant.
Coding change: c.5132C>G on transcript NM_203447.4 (MANE Select); coding-DNA position 5132, C replaced by G.
Protein change: p.Ser1711Ter; replaces serine 1711 with a stop codon.
Molecular consequence: nonsense.
Genome position (GRCh38, 1-based): chr9:439,297, C>G. VCF-style: chr9-439297-C-G. GRCh37 (hg19) VCF-style: chr9-439297-C-G.
Other names: c.4832C>G, p.Ser1611Ter (NM_001190458.2); c.4928C>G, p.Ser1643Ter (NM_001193536.2); short protein forms S1611*, S1711*, S1643*.
Identifiers: ClinVar variation 3650833 (VCV003650833.2).
Genomic context (GRCh38, chr9:439,297, plus strand): 5'-TCTTTCAGAATATTTCTTCCAATGTGCTGGAGGAGTCTGTGGTCTCTGAGGACACCCTGT[C>G]ACCTGACGAGGATGGGGTGTGCGCAGGCCAGTACTTCACCGAGAGTGGCCTGGTAGGCCT-3'

ClinVar aggregate classification (germline): Pathogenic (1 of 4 stars; one submission).

Conditions:
Combined immunodeficiency due to DOCK8 deficiency (HIES2). Also called: HIES autosomal recessive; HYPER-IgE SYNDROME 2, AUTOSOMAL RECESSIVE, WITH RECURRENT INFECTIONS; Hyper-IgE recurrent infection syndrome, autosomal recessive; HYPER-IgE RECURRENT INFECTION SYNDROME 2, AUTOSOMAL RECESSIVE; DOCK8 Deficiency. Identifiers: Orphanet 217390, MedGen C4722305, MONDO:0009478, OMIM 243700.

Submission:

Labcorp Genetics (formerly Invitae), Labcorp
Classification: Pathogenic for Combined immunodeficiency due to DOCK8 deficiency. Last evaluated: 2024-06-04. Review status: criteria provided, single submitter. Criteria: Invitae Variant Classification Sherloc (09022015). Collection method: clinical testing. Allele origin: germline.
Comment: This sequence change creates a premature translational stop signal (p.Ser1711*) in the DOCK8 gene. It is expected to result in an absent or disrupted protein product. Loss-of-function variants in DOCK8 are known to be pathogenic (PMID: 14722525, 19776401). This variant is not present in population databases (gnomAD no frequency). This variant has not been reported in the literature in individuals affected with DOCK8-related conditions. For these reasons, this variant has been classified as Pathogenic.

Literature cited by the submitters: PubMed 14722525; PubMed 19776401.